The following is an entry in ClinVar:

NM_000214.3(JAG1):c.2045G>A (p.Cys682Tyr)

Gene: JAG1 (jagged canonical Notch ligand 1; minus strand). Cytogenetic location: 20p12.2.
Variant type: single nucleotide variant.
Coding change: c.2045G>A on transcript NM_000214.3 (MANE Select); coding-DNA position 2045, G replaced by A.
Protein change: p.Cys682Tyr; replaces cysteine 682 with tyrosine.
Molecular consequence: missense variant.
Genome position (GRCh38, 1-based): chr20:10,645,424, C>T on the plus strand (G>A on the coding strand, the complement: JAG1 is on the minus strand). VCF-style: chr20-10645424-C-T. GRCh37 (hg19) VCF-style: chr20-10626072-C-T.
Other names: c.2045G>A, p.Cys682Tyr (LRG_1191t1); short protein forms C682Y.
Identifiers: ClinVar variation 234808 (VCV000234808.2), dbSNP rs876661229, ClinGen allele CA10577612.

ClinVar aggregate classification (germline): Likely pathogenic (1 of 4 stars; one submission).

Submission:

GeneDx
Classification: Likely pathogenic. Last evaluated: 2016-02-02. Review status: criteria provided, single submitter. Criteria: GeneDx Variant Classification (06012015). Collection method: clinical testing. Allele origin: germline. Affected: yes.
Comment: The C682Y variant in the JAG1 gene has not been reported previously as a pathogenic variant, nor as a benign variant, to our knowledge. The C682Y variant was not observed in approximately 6500 individuals of European and African American ancestry in the NHLBI Exome Sequencing Project, indicating it is not a common benign variant in these populations. The C682Y variant is a non-conservative amino acid substitution, which is likely to impact secondary protein structure as these residues differ in polarity, charge, size and/or other properties. This substitution occurs at a position that is conserved across species. In silico analysis predicts this variant is probably damaging to the protein structure/function. The C682Y variant is a strong candidate for a pathogenic variant. However, the possibility it may be a rare benign variant cannot be excluded.